The following is an entry in ClinVar:

ClinVar aggregate classification (germline): Uncertain significance. Review status: criteria provided, multiple submitters, no conflicts (2 of 4 stars). 5 submissions from 5 submitters: Uncertain significance (5). Last evaluated 2025-05-13.

Conditions:
Walker-Warburg congenital muscular dystrophy. Also called: Muscular dystrophy-dystroglycanopathy, type A; Walker-Warburg syndrome. Identifiers: Orphanet 899, MedGen C0265221, MONDO:0000171.
Autosomal recessive limb-girdle muscular dystrophy type 2K. Also called: MUSCULAR DYSTROPHY, LIMB-GIRDLE, TYPE 2K; MUSCULAR DYSTROPHY-DYSTROGLYCANOPATHY (LIMB-GIRDLE), TYPE C, 1. Identifiers: Orphanet 86812, MedGen C1836373, MONDO:0012248, OMIM 609308.
Muscular dystrophy-dystroglycanopathy (congenital with impaired intellectual development), type B, 1. Also called: MUSCULAR DYSTROPHY, CONGENITAL, POMT1-RELATED; Muscular dystrophy-dystroglycanopathy (congenital with intellectual disability), type B1. Identifiers: MedGen C5436962, MONDO:0013159, OMIM 613155.
Inborn genetic diseases. Identifiers: MedGen C0950123, MeSH D030342.
Muscular dystrophy-dystroglycanopathy (congenital with brain and eye anomalies), type A1 (MDDGA1). Also called: WALKER-WARBURG SYNDROME OR MUSCLE-EYE-BRAIN DISEASE, POMT1-RELATED; Hydrocephalus, agyria and retinal dysplasia; Hard +/- E syndrome; Warburg syndrome; Chemke syndrome; Pagon syndrome. Identifiers: Orphanet 588, Orphanet 899, MedGen C4284790, MONDO:0009364, OMIM 236670.

Allele frequency attached by ClinVar (database versions not stated): TOPMed 0.00003; gnomAD exomes 0.00002 and 0.00001; ExAC 0.00002; gnomAD 0.00003.

Submissions (6):

Ambry Genetics
Classification: Uncertain significance for Inborn genetic diseases. Last evaluated: 2025-05-13. Review status: criteria provided, single submitter. Criteria: Ambry Variant Classification Scheme 2023. Collection method: clinical testing. Allele origin: germline.

Labcorp Genetics (formerly Invitae), Labcorp
Classification: Uncertain significance for Muscular dystrophy-dystroglycanopathy (congenital with impaired intellectual development), type B, 1; Walker-Warburg congenital muscular dystrophy; Autosomal recessive limb-girdle muscular dystrophy type 2K. Last evaluated: 2024-08-31. Review status: criteria provided, single submitter. Criteria: Invitae Variant Classification Sherloc (09022015). Collection method: clinical testing. Allele origin: germline.
Comment: This sequence change replaces asparagine, which is neutral and polar, with serine, which is neutral and polar, at codon 373 of the POMT1 protein (p.Asn373Ser). This variant is present in population databases (rs756531223, gnomAD 0.01%). This variant has not been reported in the literature in individuals affected with POMT1-related conditions. ClinVar contains an entry for this variant (Variation ID: 843052). Invitae Evidence Modeling of protein sequence and biophysical properties (such as structural, functional, and spatial information, amino acid conservation, physicochemical variation, residue mobility, and thermodynamic stability) has been performed for this missense variant. However, the output from this modeling did not meet the statistical confidence thresholds required to predict the impact of this variant on POMT1 protein function. In summary, the available evidence is currently insufficient to determine the role of this variant in disease. Therefore, it has been classified as a Variant of Uncertain Significance.

Fulgent Genetics
Classification: Uncertain significance for Muscular dystrophy-dystroglycanopathy (congenital with brain and eye anomalies), type A1; Autosomal recessive limb-girdle muscular dystrophy type 2K; Muscular dystrophy-dystroglycanopathy (congenital with impaired intellectual development), type B, 1. Last evaluated: 2023-12-29. Review status: criteria provided, single submitter. Criteria: ACMG Guidelines, 2015. Collection method: clinical testing. Allele origin: germline.

Revvity Omics, Revvity
Classification: Uncertain significance. Last evaluated: 2023-10-25. Review status: criteria provided, single submitter. Criteria: ACMG Guidelines, 2015. Collection method: clinical testing. Allele origin: germline.

Mayo Clinic Laboratories, Mayo Clinic
Classification: Uncertain significance. Last evaluated: 2019-11-11. Review status: criteria provided, single submitter. Criteria: ACMG Guidelines, 2015. Collection method: clinical testing. Allele origin: germline. Observed: 1 variant allele.

Dr. Peter K. Rogan Lab, Western University
No classification provided (evidence only). Condition: Gastric cancer. Review status: no classification provided. Collection method: in vitro. Allele origin: not applicable. Functional consequence: retained intron. Not counted in ClinVar's aggregate classification.

NM_001077365.2(POMT1):c.1052A>G (p.Asn351Ser)

Gene: POMT1 (protein O-mannosyltransferase 1; plus strand). Cytogenetic location: 9q34.13.
Variant type: single nucleotide variant.
Coding change: c.1052A>G on transcript NM_001077365.2 (MANE Select); coding-DNA position 1052, A replaced by G.
Protein change: p.Asn351Ser; replaces asparagine 351 with serine.
Molecular consequence: missense variant. On other transcripts: non-coding transcript variant (10), intron variant (1).
Genome position (GRCh38, 1-based): chr9:131,512,106, A>G. VCF-style: chr9-131512106-A-G. GRCh37 (hg19) VCF-style: chr9-134387493-A-G.
Other names: c.890A>G, p.Asn297Ser (NM_001077366.2, NM_001353194.2); c.1052A>G, p.Asn351Ser (NM_001136113.2, NM_001374690.1); c.701A>G, p.Asn234Ser (NM_001136114.2, NM_001353195.2, NM_001374691.1 and 1 more transcripts); c.1118A>G, p.Asn373Ser (NM_001353193.2, NM_007171.4); c.962A>G, p.Asn321Ser (NM_001353196.2); c.956A>G, p.Asn319Ser (NM_001353197.2, NM_001353198.2); c.767A>G, p.Asn256Ser (NM_001353199.2); c.596A>G, p.Asn199Ser (NM_001353200.2); and 3 more; short protein forms N234S, N319S, N351S, N199S, N256S, N373S, N221S, N297S.
Identifiers: ClinVar variation 843052 (VCV000843052.18), dbSNP rs756531223, ClinGen allele CA5293505.